The following is an entry in ClinVar:

ClinVar aggregate classification (germline): Uncertain significance (1 of 4 stars; one submission).

Conditions:
Charcot-Marie-Tooth disease type 2. Also called: Charcot-Marie-Tooth type 2. Identifiers: Orphanet 64746, MedGen C0270914, MONDO:0018993.

Allele frequency attached by ClinVar (database versions not stated): gnomAD exomes below 0.00001.
gnomAD v4.1: 4 of 1,607,500 alleles (0.00025%); highest among the groups gnomAD compares: Non-Finnish European, 0.00034%; no homozygotes.

Submission:

Labcorp Genetics (formerly Invitae), Labcorp
Classification: Uncertain significance for Charcot-Marie-Tooth disease type 2. Last evaluated: 2022-03-10. Review status: criteria provided, single submitter. Criteria: Invitae Variant Classification Sherloc (09022015). Collection method: clinical testing. Allele origin: germline.
Comment: In summary, the available evidence is currently insufficient to determine the role of this variant in disease. Therefore, it has been classified as a Variant of Uncertain Significance. Algorithms developed to predict the effect of missense changes on protein structure and function are either unavailable or do not agree on the potential impact of this missense change (SIFT: "Tolerated"; PolyPhen-2: "Possibly Damaging"; Align-GVGD: "Class C0"). This variant has not been reported in the literature in individuals affected with MFN2-related conditions. This variant is not present in population databases (gnomAD no frequency). This sequence change replaces methionine, which is neutral and non-polar, with valine, which is neutral and non-polar, at codon 497 of the MFN2 protein (p.Met497Val).

NM_014874.4(MFN2):c.1489A>G (p.Met497Val)

Gene: MFN2 (mitofusin 2; plus strand). Cytogenetic location: 1p36.22.
Variant type: single nucleotide variant.
Coding change: c.1489A>G on transcript NM_014874.4 (MANE Select); coding-DNA position 1489, A replaced by G.
Protein change: p.Met497Val; replaces methionine 497 with valine.
Molecular consequence: missense variant.
Genome position (GRCh38, 1-based): chr1:12,004,921, A>G. VCF-style: chr1-12004921-A-G. GRCh37 (hg19) VCF-style: chr1-12064978-A-G.
Other names: c.1489A>G, p.Met497Val (NM_001127660.2); short protein forms M497V.
Identifiers: ClinVar variation 1408150 (VCV001408150.7), dbSNP rs2100850292, ClinGen allele CA338447000.